The following is an entry in ClinVar:

ClinVar aggregate classification (germline): Uncertain significance (1 of 4 stars; one submission).

Submission:

Ambry Genetics
Classification: Uncertain significance. Last evaluated: 2024-04-19. Review status: criteria provided, single submitter. Criteria: Ambry Variant Classification Scheme 2023. Collection method: clinical testing. Allele origin: germline.
Comment: The p.N855K variant (also known as c.2565C>A), located in coding exon 24 of the KIF1B gene, results from a C to A substitution at nucleotide position 2565. The asparagine at codon 855 is replaced by lysine, an amino acid with similar properties. This amino acid position is conserved. In addition, this alteration is predicted to be tolerated by in silico analysis. Based on the available evidence, the clinical significance of this variant remains unclear.

NM_001365951.3(KIF1B):c.2703C>A (p.Asn901Lys)

Genes: KIF1B (kinesin family member 1B; plus strand), LOC126805614 (BRD4-independent group 4 enhancer GRCh37_chr1:10385546-10386745; plus strand). Cytogenetic location: 1p36.22.
Variant type: single nucleotide variant.
Coding change: c.2703C>A on transcript NM_001365951.3 (MANE Select); coding-DNA position 2703, C replaced by A.
Protein change: p.Asn901Lys; replaces asparagine 901 with lysine.
Molecular consequence: missense variant.
Genome position (GRCh38, 1-based): chr1:10,326,138, C>A. VCF-style: chr1-10326138-C-A. GRCh37 (hg19) VCF-style: chr1-10386196-C-A.
Other names: c.2703C>A, p.Asn901Lys (NM_001365952.1); c.2565C>A, p.Asn855Lys (NM_015074.3); short protein forms N855K, N901K.
Identifiers: ClinVar variation 3288425 (VCV003288425.1).